The following is an entry in ClinVar:

NM_005247.4(FGF3):c.624C>T (p.Pro208=)

Gene: FGF3 (fibroblast growth factor 3; minus strand). Cytogenetic location: 11q13.3.
Variant type: single nucleotide variant.
Coding change: c.624C>T on transcript NM_005247.4 (MANE Select); coding-DNA position 624, C replaced by T.
Protein change: p.Pro208=; no amino-acid change (proline 208 retained).
Molecular consequence: synonymous variant.
Genome position (GRCh38, 1-based): chr11:69,810,401, G>A on the plus strand (C>T on the coding strand, the complement: FGF3 is on the minus strand). VCF-style: chr11-69810401-G-A. GRCh37 (hg19) VCF-style: chr11-69625169-G-A.
Other names: c.624C>T (NM_005247.2).
Identifiers: ClinVar variation 3656484 (VCV003656484.4).

ClinVar aggregate classification (germline): Likely benign. Review status: criteria provided, multiple submitters, no conflicts (2 of 4 stars). 3 submissions from 3 submitters: Likely benign (3). Last evaluated 2025-05-12.

Conditions:
FGF3-related disorder. Also called: FGF3-related condition.

gnomAD v4.1: 39 of 1,567,316 alleles (0.0025%); highest among the groups gnomAD compares: Admixed American, 0.072%; no homozygotes.

Submissions (3):

Labcorp Genetics (formerly Invitae), Labcorp
Classification: Likely benign. Last evaluated: 2025-05-12. Review status: criteria provided, single submitter. Criteria: Invitae Variant Classification Sherloc (09022015). Collection method: clinical testing. Allele origin: germline.

PreventionGenetics, part of Exact Sciences
Classification: Likely benign for FGF3-related condition. Last evaluated: 2025-04-18. Review status: criteria provided, single submitter. Criteria: ACMG Guidelines, 2015. Collection method: clinical testing. Allele origin: germline.
Comment: This variant is classified as likely benign based on ACMG/AMP sequence variant interpretation guidelines (Richards et al. 2015 PMID: 25741868, with internal and published modifications).

Blueprint Genetics
Classification: Likely benign. Last evaluated: 2019-04-19. Review status: criteria provided, single submitter. Criteria: ACMG Guidelines, 2015. Collection method: clinical testing. Allele origin: germline.